The following is an entry in ClinVar:

NM_016120.4(RLIM):c.69G>A (p.Met23Ile)

Gene: RLIM (ring finger protein, LIM domain interacting; minus strand). Cytogenetic location: Xq13.2.
Variant type: single nucleotide variant.
Coding change: c.69G>A on transcript NM_016120.4 (MANE Select); coding-DNA position 69, G replaced by A.
Protein change: p.Met23Ile; replaces methionine 23 with isoleucine.
Molecular consequence: missense variant.
Genome position (GRCh38, 1-based): chrX:74,595,909, C>T on the plus strand (G>A on the coding strand, the complement: RLIM is on the minus strand). VCF-style: chrX-74595909-C-T. GRCh37 (hg19) VCF-style: chrX-73815744-C-T.
Other names: c.69G>A, p.Met23Ile (NM_183353.3); short protein forms M23I.
Identifiers: ClinVar variation 3364265 (VCV003364265.1).

ClinVar aggregate classification (germline): Uncertain significance (1 of 4 stars; one submission).

Submission:

GeneDx
Classification: Uncertain significance. Last evaluated: 2023-11-14. Review status: criteria provided, single submitter. Criteria: GeneDx Variant Classification Process June 2021. Collection method: clinical testing. Allele origin: germline. Affected: yes.
Comment: Not observed at significant frequency in large population cohorts (gnomAD); In silico analysis supports that this missense variant does not alter protein structure/function; Has not been previously published as pathogenic or benign to our knowledge